The following is an entry in ClinVar:

ClinVar aggregate classification (germline): Uncertain significance (1 of 4 stars; one submission).

gnomAD v4.1: 4 of 1,557,134 alleles (0.00026%); highest among the groups gnomAD compares: Non-Finnish European, 0.00035%; no homozygotes.

Submission:

GeneDx
Classification: Uncertain significance. Last evaluated: 2026-03-19. Review status: criteria provided, single submitter. Criteria: GeneDx Variant Classification Process June 2021. Collection method: clinical testing. Allele origin: germline.
Comment: Not observed at significant frequency in large population cohorts (gnomAD); In silico analysis supports that this missense variant has a deleterious effect on protein structure/function; Has not been previously published as pathogenic or benign to our knowledge

NM_001378452.1(ITPR1):c.4930C>G (p.Leu1644Val)

Genes: BRRIAR (BHLHE40 and RIG-I regulating ITPR1 antisense RNA; minus strand), ITPR1 (inositol 1,4,5-trisphosphate receptor type 1; plus strand). Cytogenetic location: 3p26.1.
Variant type: single nucleotide variant.
Coding change: c.4930C>G on transcript NM_001378452.1 (MANE Select); coding-DNA position 4930, C replaced by G.
Protein change: p.Leu1644Val; replaces leucine 1644 with valine.
Molecular consequence: missense variant.
Genome position (GRCh38, 1-based): chr3:4,710,412, C>G. VCF-style: chr3-4710412-C-G. GRCh37 (hg19) VCF-style: chr3-4752096-C-G.
Other names: c.4903C>G, p.Leu1635Val (NM_001099952.4); c.4885C>G, p.Leu1629Val (NM_001168272.2); c.4858C>G, p.Leu1620Val (NM_002222.7); short protein forms L1620V, L1629V, L1635V, L1644V.
Identifiers: ClinVar variation 5017085 (VCV005017085.1).